The following is an entry in ClinVar:

ClinVar aggregate classification (germline): Conflicting classifications of pathogenicity. Review status: criteria provided, conflicting classifications (1 of 4 stars). 2 submissions from 2 submitters: Uncertain significance (1); Likely benign (1). Last evaluated 2024-10-21.

Conditions:
Periodic fever-infantile enterocolitis-autoinflammatory syndrome. Also called: Autoinflammation with infantile enterocolitis. Identifiers: Orphanet 436166, MedGen C4015067, MONDO:0014472, OMIM 616050.
Familial cold autoinflammatory syndrome 4 (FCAS4). Identifiers: Orphanet 47045, Orphanet 576349, MedGen C4015276, MONDO:0014498, OMIM 616115.

gnomAD v4.1: 8 of 1,613,826 alleles (0.0005%); highest among the groups gnomAD compares: East Asian, 0.0022%; no homozygotes.

Submissions (2):

Labcorp Genetics (formerly Invitae), Labcorp
Classification: Uncertain significance for Periodic fever-infantile enterocolitis-autoinflammatory syndrome; Familial cold autoinflammatory syndrome 4. Last evaluated: 2024-10-21. Review status: criteria provided, single submitter. Criteria: Invitae Variant Classification Sherloc (09022015). Collection method: clinical testing. Allele origin: germline.
Comment: This sequence change replaces alanine, which is neutral and non-polar, with valine, which is neutral and non-polar, at codon 982 of the NLRC4 protein (p.Ala982Val). This variant is present in population databases (rs147896952, gnomAD 0.006%). This variant has not been reported in the literature in individuals affected with NLRC4-related conditions. ClinVar contains an entry for this variant (Variation ID: 2578849). Invitae Evidence Modeling of protein sequence and biophysical properties (such as structural, functional, and spatial information, amino acid conservation, physicochemical variation, residue mobility, and thermodynamic stability) indicates that this missense variant is not expected to disrupt NLRC4 protein function with a negative predictive value of 80%. In summary, the available evidence is currently insufficient to determine the role of this variant in disease. Therefore, it has been classified as a Variant of Uncertain Significance.

CeGaT Center for Human Genetics Tuebingen
Classification: Likely benign. Last evaluated: 2023-07-01. Review status: criteria provided, single submitter. Criteria: CeGaT Center For Human Genetics Tuebingen Variant Classification Criteria Version 2. Collection method: clinical testing. Allele origin: germline. Affected: yes. Observed: 1 variant allele.
Comment: NLRC4: BP4

NM_001199138.2(NLRC4):c.2945C>T (p.Ala982Val)

Gene: NLRC4 (NLR family CARD domain containing 4; minus strand). Cytogenetic location: 2p22.3.
Variant type: single nucleotide variant.
Coding change: c.2945C>T on transcript NM_001199138.2 (MANE Select); coding-DNA position 2945, C replaced by T.
Protein change: p.Ala982Val; replaces alanine 982 with valine.
Molecular consequence: missense variant.
Genome position (GRCh38, 1-based): chr2:32,224,603, G>A on the plus strand (C>T on the coding strand, the complement: NLRC4 is on the minus strand). VCF-style: chr2-32224603-G-A. GRCh37 (hg19) VCF-style: chr2-32449672-G-A.
Other names: c.2945C>T, p.Ala982Val (NM_001199139.2, NM_021209.5); c.950C>T, p.Ala317Val (NM_001302504.2); short protein forms A317V, A982V.
Identifiers: ClinVar variation 2578849 (VCV002578849.27), dbSNP rs147896952, ClinGen allele CA1601640.